The following is an entry in ClinVar:

NM_000245.4(MET):c.1267G>A (p.Ala423Thr)

Gene: MET (MET proto-oncogene, receptor tyrosine kinase; plus strand). Cytogenetic location: 7q31.2.
Variant type: single nucleotide variant.
Coding change: c.1267G>A on transcript NM_000245.4 (MANE Select); coding-DNA position 1267, G replaced by A.
Protein change: p.Ala423Thr; replaces alanine 423 with threonine.
Molecular consequence: missense variant. On other transcripts: 5 prime UTR variant (1).
Genome position (GRCh38, 1-based): chr7:116,731,734, G>A. VCF-style: chr7-116731734-G-A. GRCh37 (hg19) VCF-style: chr7-116371788-G-A.
Other names: c.1267G>A, p.Ala423Thr (NM_001127500.3, NM_001324401.3); c.-24G>A (NM_001324402.2); short protein forms A423T.
Identifiers: ClinVar variation 641312 (VCV000641312.11), dbSNP rs922296506, ClinGen allele CA164865895.

ClinVar aggregate classification (germline): Conflicting classifications of pathogenicity. Review status: criteria provided, conflicting classifications (1 of 4 stars). 2 submissions from 2 submitters: Uncertain significance (1); Likely benign (1). Last evaluated 2025-12-03.

Conditions:
Renal cell carcinoma. Identifiers: Orphanet 217071, MedGen C0007134, MeSH D002292, MONDO:0005086, HP:0005584.
Hereditary cancer-predisposing syndrome. Also called: Neoplastic Syndromes, Hereditary; Tumor predisposition; Hereditary Cancer Syndrome; Hereditary neoplastic syndrome. Identifiers: Orphanet 140162, MedGen C0027672, MeSH D009386, MONDO:0015356.

Allele frequency attached by ClinVar (database versions not stated): gnomAD exomes below 0.00001.
gnomAD v4.1: 1 of 1,614,104 alleles (0.000062%); highest among the groups gnomAD compares: Non-Finnish European, 0.000085%; no homozygotes.

Submissions (2):

Ambry Genetics
Classification: Likely benign for Hereditary cancer-predisposing syndrome. Last evaluated: 2025-12-03. Review status: criteria provided, single submitter. Criteria: Ambry Variant Classification Scheme 2023. Collection method: clinical testing. Allele origin: germline.

Labcorp Genetics (formerly Invitae), Labcorp
Classification: Uncertain significance for Renal cell carcinoma. Last evaluated: 2023-10-16. Review status: criteria provided, single submitter. Criteria: Invitae Variant Classification Sherloc (09022015). Collection method: clinical testing. Allele origin: germline.
Comment: This sequence change replaces alanine, which is neutral and non-polar, with threonine, which is neutral and polar, at codon 423 of the MET protein (p.Ala423Thr). This variant is not present in population databases (gnomAD no frequency). This variant has not been reported in the literature in individuals affected with MET-related conditions. ClinVar contains an entry for this variant (Variation ID: 641312). Advanced modeling of protein sequence and biophysical properties (such as structural, functional, and spatial information, amino acid conservation, physicochemical variation, residue mobility, and thermodynamic stability) performed at Invitae indicates that this missense variant is not expected to disrupt MET protein function. In summary, the available evidence is currently insufficient to determine the role of this variant in disease. Therefore, it has been classified as a Variant of Uncertain Significance.